The following is an entry in ClinVar:

NM_004168.4(SDHA):c.665T>G (p.Leu222Trp)

Gene: SDHA (succinate dehydrogenase complex flavoprotein subunit A; plus strand). Cytogenetic location: 5p15.33.
Variant type: single nucleotide variant.
Coding change: c.665T>G on transcript NM_004168.4 (MANE Select); coding-DNA position 665, T replaced by G.
Protein change: p.Leu222Trp; replaces leucine 222 with tryptophan.
Molecular consequence: missense variant.
Genome position (GRCh38, 1-based): chr5:228,228, T>G. VCF-style: chr5-228228-T-G. GRCh37 (hg19) VCF-style: chr5-228343-T-G.
Other names: c.521T>G, p.Leu174Trp (NM_001294332.2); c.665T>G, p.Leu222Trp (NM_001330758.2); short protein forms L174W, L222W.
Identifiers: ClinVar variation 2587084 (VCV002587084.3), dbSNP rs991140963, ClinGen allele CA359010889.

ClinVar aggregate classification (germline): Uncertain significance (1 of 4 stars; one submission).

Conditions:
Hereditary cancer-predisposing syndrome. Also called: Neoplastic Syndromes, Hereditary; Tumor predisposition; Hereditary Cancer Syndrome; Hereditary neoplastic syndrome. Identifiers: Orphanet 140162, MedGen C0027672, MeSH D009386, MONDO:0015356.

Submission:

Ambry Genetics
Classification: Uncertain significance for Hereditary cancer-predisposing syndrome. Last evaluated: 2026-06-10. Review status: criteria provided, single submitter. Criteria: Ambry Variant Classification Scheme 2023. Collection method: clinical testing. Allele origin: germline.
Comment: The p.L222W variant (also known as c.665T>G), located in coding exon 6 of the SDHA gene, results from a T to G substitution at nucleotide position 665. The leucine at codon 222 is replaced by tryptophan, an amino acid with similar properties. This amino acid position is highly conserved in available vertebrate species. In addition, this alteration is predicted to be deleterious by in silico analysis. Based on the available evidence, the clinical significance of this variant remains unclear.